The following is an entry in ClinVar:

NM_001201550.3(CFHR4):c.41C>A (p.Ser14Tyr)

Gene: CFHR4 (complement factor H related 4; plus strand). Cytogenetic location: 1q31.3.
Variant type: single nucleotide variant.
Coding change: c.41C>A on transcript NM_001201550.3 (MANE Select); coding-DNA position 41, C replaced by A.
Protein change: p.Ser14Tyr; replaces serine 14 with tyrosine.
Molecular consequence: missense variant.
Genome position (GRCh38, 1-based): chr1:196,888,191, C>A. VCF-style: chr1-196888191-C-A. GRCh37 (hg19) VCF-style: chr1-196857321-C-A.
Other names: c.41C>A, p.Ser14Tyr (NM_001201551.2, NM_006684.5); short protein forms S14Y.
Identifiers: ClinVar variation 3237406 (VCV003237406.1), dbSNP rs370026617.

ClinVar aggregate classification (germline): Uncertain significance (1 of 4 stars; one submission).

Allele frequency attached by ClinVar (database versions not stated): TOPMed below 0.00001; ExAC 0.00001; gnomAD 0.00001; ESP Exome Variant Server 0.00008.
gnomAD v4.1: 9 of 1,611,040 alleles (0.00056%); highest among the groups gnomAD compares: Non-Finnish European, 0.00068%; no homozygotes.

Submission:

Clinical Genomics Laboratory, Washington University in St. Louis
Classification: Uncertain significance. Last evaluated: 2024-04-03. Review status: criteria provided, single submitter. Criteria: ACMG Guidelines, 2015. Collection method: clinical testing. Allele origin: germline.
Comment: A CFHR4 c.41C>A (p.Ser14Tyr) variant was identified. This variant, to our knowledge, has not been reported in the medical literature. It is only observed on 1/251,104 alleles in the general population (gnomAD v.2.1.1), indicating it is not a common variant. Computational predictors suggest that the variant does not impact CFHR4 function. Due to limited information, and based on ACMG/AMP guidelines for variant interpretation (Richards S et al., PMID: 25741868), the clinical significance of this variant is uncertain at this time.